The following is an entry in ClinVar:

ClinVar aggregate classification (germline): Uncertain significance. Review status: criteria provided, multiple submitters, no conflicts (2 of 4 stars). 2 submissions from 2 submitters: Uncertain significance (2). Last evaluated 2024-05-09.

Conditions:
Charcot-Marie-tooth disease, axonal, type 2DD. Also called: CHARCOT-MARIE-TOOTH NEUROPATHY, TYPE 2DD. Identifiers: Orphanet 521414, MedGen C4747974, MONDO:0054833, OMIM 618036.
Hypomagnesemia, seizures, and impaired intellectual development 2. Also called: Hypomagnesemia, seizures, and intellectual disability 2. Identifiers: MedGen C5193023, MONDO:0020788, OMIM 618314.

Allele frequency attached by ClinVar (database versions not stated): gnomAD exomes below 0.00001.
gnomAD v4.1: 1 of 1,614,236 alleles (0.000062%); highest among the groups gnomAD compares: Non-Finnish European, 0.000085%; no homozygotes.

Submissions (2):

Clinical Genomics Laboratory, Washington University in St. Louis
Classification: Uncertain significance for Hypomagnesemia, seizures, and impaired intellectual development 2; Charcot-Marie-tooth disease, axonal, type 2DD. Last evaluated: 2024-05-09. Review status: criteria provided, single submitter. Criteria: ACMG Guidelines, 2015. Collection method: clinical testing. Allele origin: germline.
Comment: The ATP1A1 c.676A>C (p.Thr226Pro) variant, to our knowledge, has not been reported in the medical literature. This variant has been reported in the ClinVar database (Variation ID: 2995966) as a variant of uncertain significance in 1 submission. This variant is absent from the general population (gnomAD v.2.1.1), indicating it is not a common variant. Computational predictors are uncertain as to the impact of this variant on ATP1A1 function. Due to limited information, and based on ACMG/AMP guidelines for variant interpretation (Richards S et al., PMID: 25741868), the clinical significance of this variant is uncertain at this time.

Labcorp Genetics (formerly Invitae), Labcorp
Classification: Uncertain significance. Last evaluated: 2024-01-02. Review status: criteria provided, single submitter. Criteria: Invitae Variant Classification Sherloc (09022015). Collection method: clinical testing. Allele origin: germline.
Comment: This sequence change replaces threonine, which is neutral and polar, with proline, which is neutral and non-polar, at codon 226 of the ATP1A1 protein (p.Thr226Pro). This variant is not present in population databases (gnomAD no frequency). This variant has not been reported in the literature in individuals affected with ATP1A1-related conditions. Advanced modeling of protein sequence and biophysical properties (such as structural, functional, and spatial information, amino acid conservation, physicochemical variation, residue mobility, and thermodynamic stability) performed at Invitae indicates that this missense variant is not expected to disrupt ATP1A1 protein function with a negative predictive value of 80%. In summary, the available evidence is currently insufficient to determine the role of this variant in disease. Therefore, it has been classified as a Variant of Uncertain Significance.

NM_000701.8(ATP1A1):c.676A>C (p.Thr226Pro)

Gene: ATP1A1 (ATPase Na+/K+ transporting subunit alpha 1; plus strand). Cytogenetic location: 1p13.1.
Variant type: single nucleotide variant.
Coding change: c.676A>C on transcript NM_000701.8 (MANE Select); coding-DNA position 676, A replaced by C.
Protein change: p.Thr226Pro; replaces threonine 226 with proline.
Molecular consequence: missense variant.
Genome position (GRCh38, 1-based): chr1:116,388,941, A>C. VCF-style: chr1-116388941-A-C. GRCh37 (hg19) VCF-style: chr1-116931563-A-C.
Other names: c.676A>C, p.Thr226Pro (NM_001160233.2); c.583A>C, p.Thr195Pro (NM_001160234.2); short protein forms T226P, T195P.
Identifiers: ClinVar variation 2995966 (VCV002995966.4), dbSNP rs992887190, ClinGen allele CA30069853.